The following is an entry in ClinVar:

ClinVar aggregate classification (germline): Uncertain significance. Review status: criteria provided, multiple submitters, no conflicts (2 of 4 stars). 3 submissions from 3 submitters: Uncertain significance (3). Last evaluated 2022-04-11.

Conditions:
Cardiovascular phenotype. Identifiers: MedGen CN230736.
Cardiomyopathy (CMYO). Also called: Cardiomyopathies. Identifiers: Orphanet 167848, MedGen C0878544, MONDO:0004994, HP:0001638. Inheritance: Various modes of inheritance.
Catecholaminergic polymorphic ventricular tachycardia 1. Also called: VENTRICULAR TACHYCARDIA, CATECHOLAMINERGIC POLYMORPHIC, 1, WITH OR WITHOUT ATRIAL DYSFUNCTION AND/OR DILATED CARDIOMYOPATHY; RYR2-Related Catecholaminergic Polymorphic Ventricular Tachycardia; VENTRICULAR TACHYCARDIA, STRESS-INDUCED POLYMORPHIC 1. Identifiers: Orphanet 3286, MedGen C1631597, MONDO:0011484, OMIM 604772.

Allele frequency attached by ClinVar (database versions not stated): gnomAD 0.00001; TOPMed 0.00001.
gnomAD v4.1: 2 of 1,613,772 alleles (0.00012%); highest among the groups gnomAD compares: African/African-American, 0.0013%; no homozygotes.

Submissions (3):

Ambry Genetics
Classification: Uncertain significance for Cardiovascular phenotype. Last evaluated: 2022-04-11. Review status: criteria provided, single submitter. Criteria: Ambry Variant Classification Scheme 2023. Collection method: clinical testing. Allele origin: germline.
Comment: The p.A1325P variant (also known as c.3973G>C), located in coding exon 31 of the RYR2 gene, results from a G to C substitution at nucleotide position 3973. The alanine at codon 1325 is replaced by proline, an amino acid with highly similar properties. This alteration has been reported in a whole exome sequencing cohort (Landstrom AP et al. Circ Arrhythm Electrophysiol, 2017 Apr;10:). This amino acid position is not well conserved in available vertebrate species. In addition, the in silico prediction for this alteration is inconclusive. Since supporting evidence is limited at this time, the clinical significance of this alteration remains unclear.

Labcorp Genetics (formerly Invitae), Labcorp
Classification: Uncertain significance for Catecholaminergic polymorphic ventricular tachycardia 1. Last evaluated: 2021-05-30. Review status: criteria provided, single submitter. Criteria: Invitae Variant Classification Sherloc (09022015). Collection method: clinical testing. Allele origin: germline.
Comment: This sequence change replaces alanine with proline at codon 1325 of the RYR2 protein (p.Ala1325Pro). The alanine residue is moderately conserved and there is a small physicochemical difference between alanine and proline. This variant is not present in population databases (ExAC no frequency). This variant has not been reported in the literature in individuals with RYR2-related conditions. ClinVar contains an entry for this variant (Variation ID: 919688). Advanced modeling of protein sequence and biophysical properties (such as structural, functional, and spatial information, amino acid conservation, physicochemical variation, residue mobility, and thermodynamic stability) performed at Invitae indicates that this missense variant is not expected to disrupt RYR2 protein function. In summary, the available evidence is currently insufficient to determine the role of this variant in disease. Therefore, it has been classified as a Variant of Uncertain Significance.

Color Diagnostics, LLC DBA Color Health
Classification: Uncertain significance for Cardiomyopathy. Last evaluated: 2019-06-17. Review status: criteria provided, single submitter. Criteria: ACMG Guidelines, 2015. Collection method: clinical testing. Allele origin: germline.
Comment: This missense variant replaces alanine with proline at codon 1325 of the RYR2 protein. Computational prediction tools and conservation analyses are inconclusive regarding the impact of this variant on the protein function. Computational splicing tools suggest that this variant may not impact RNA splicing. To our knowledge, functional assays have not been performed for this variant nor has this variant been reported in individuals affected with cardiovascular disorders in the literature. This variant has not been identified in the general population by the Genome Aggregation Database (gnomAD). Available evidence is insufficient to determine the role of this variant in disease conclusively. Therefore, this variant is classified as a Variant of Uncertain Significance.

Literature cited by the submitters: PubMed 28404607 (cited by Ambry Genetics).

NM_001035.3(RYR2):c.3973G>C (p.Ala1325Pro)

Genes: RYR2 (ryanodine receptor 2; plus strand), LOC126806067 (BRD4-independent group 4 enhancer GRCh37_chr1:237753258-237754457; plus strand). Cytogenetic location: 1q43.
Variant type: single nucleotide variant.
Coding change: c.3973G>C on transcript NM_001035.3 (MANE Select); coding-DNA position 3973, G replaced by C.
Protein change: p.Ala1325Pro; replaces alanine 1325 with proline.
Molecular consequence: missense variant.
Genome position (GRCh38, 1-based): chr1:237,590,805, G>C. VCF-style: chr1-237590805-G-C. GRCh37 (hg19) VCF-style: chr1-237754105-G-C.
Other names: c.3973G>C (NM_001035.2); short protein forms A1325P.
Identifiers: ClinVar variation 919688 (VCV000919688.14), dbSNP rs1043523829, ClinGen allele CA39803039.